The following is an entry in ClinVar:

NM_000284.4(PDHA1):c.*1869G>C

Genes: MAP3K15 (mitogen-activated protein kinase kinase kinase 15; minus strand), PDHA1 (pyruvate dehydrogenase E1 subunit alpha 1; plus strand). Cytogenetic location: Xp22.12.
Variant type: single nucleotide variant.
Coding change: c.*1869G>C on transcript NM_000284.4 (MANE Select); 1869 bases downstream of the stop codon, G replaced by C.
Molecular consequence: 3 prime UTR variant. On other transcripts: missense variant (1).
Genome position (GRCh38, 1-based): chrX:19,361,522, G>C. VCF-style: chrX-19361522-G-C. GRCh37 (hg19) VCF-style: chrX-19379640-G-C.
Other names: c.*1869G>C (NM_001173454.2, NM_001173455.2, NM_001173456.2); c.3751C>G, p.Gln1251Glu (NM_001001671.4); short protein forms Q1251E.
Identifiers: ClinVar variation 376916 (VCV000376916.9), dbSNP rs15943, ClinGen allele CA10363348.

ClinVar aggregate classification (germline): Benign. Review status: criteria provided, multiple submitters, no conflicts (2 of 4 stars). 4 submissions from 4 submitters: Benign (3). 1 of the submissions does not count toward it. Last evaluated 2018-01-12.

Conditions:
MAP3K15-related disorder. Also called: MAP3K15-related condition.
Pyruvate dehydrogenase E1-alpha deficiency (PDHAD). Also called: ATAXIA, INTERMITTENT, WITH PYRUVATE DEHYDROGENASE DEFICIENCY; ATAXIA WITH LACTIC ACIDOSIS I; ATAXIA, INTERMITTENT, WITH ABNORMAL PYRUVATE METABOLISM; Ataxia, intermittent, with pyruvate dehydrogenase, or decarboxylase, deficiency. Identifiers: Orphanet 79243, MedGen C1839413, MONDO:0010717, OMIM 312170.

Allele frequency attached by ClinVar (database versions not stated): 1000 Genomes Project 0.00079; 1000 Genomes Project 30x 0.00146; ExAC 0.00364; gnomAD exomes 0.00369 and 0.00560; TOPMed 0.00414; gnomAD 0.00430 and 0.00434; ESP Exome Variant Server 0.00540.
gnomAD v4.1: 6,582 of 1,209,870 alleles (0.54%); highest among the groups gnomAD compares: Middle Eastern, 0.85%; 15 homozygotes.

Submissions (4):

Illumina Laboratory Services, Illumina
Classification: Benign for Pyruvate dehydrogenase E1-alpha deficiency. Last evaluated: 2018-01-12. Review status: criteria provided, single submitter. Criteria: ICSL Variant Classification Criteria 13 December 2019. Collection method: clinical testing. Allele origin: germline.
Comment: This variant was observed in the ICSL laboratory as part of a predisposition screen in an ostensibly healthy population. It had not been previously curated by ICSL or reported in the Human Gene Mutation Database (HGMD: prior to June 1st, 2018), and was therefore a candidate for classification through an automated scoring system. Utilizing variant allele frequency, disease prevalence and penetrance estimates, and inheritance mode, an automated score was calculated to assess if this variant is too frequent to cause the disease. Based on the score and internal cut-off values, a variant classified as benign is not then subjected to further curation. The score for this variant resulted in a classification of benign for this disease.

Center for Pediatric Genomic Medicine, Children's Mercy Hospital and Clinics
Classification: Benign. Last evaluated: 2016-07-12. Review status: criteria provided, single submitter. Criteria: ACMG Guidelines, 2015. Collection method: clinical testing. Allele origin: germline.

Breakthrough Genomics
Classification: Benign. Review status: criteria provided, single submitter. Criteria: ACMG Guidelines, 2015. Collection method: not provided. Allele origin: germline. Inheritance: X-linked inheritance. Affected: yes.

PreventionGenetics, part of Exact Sciences
Classification: Benign for MAP3K15-related condition. Last evaluated: 2019-04-25. Review status: no assertion criteria provided. Collection method: clinical testing. Allele origin: germline. Not counted in ClinVar's aggregate classification.
Comment: This variant is classified as benign based on ACMG/AMP sequence variant interpretation guidelines (Richards et al. 2015 PMID: 25741868, with internal and published modifications).